The following is an entry in ClinVar:

ClinVar aggregate classification (germline): Uncertain significance (1 of 4 stars; one submission).

Allele frequency attached by ClinVar (database versions not stated): gnomAD 0.00001; ExAC 0.00003; gnomAD exomes 0.00003; TOPMed 0.00003.

Submission:

Labcorp Genetics (formerly Invitae), Labcorp
Classification: Uncertain significance. Last evaluated: 2025-12-21. Review status: criteria provided, single submitter. Criteria: Invitae Variant Classification Sherloc (09022015). Collection method: clinical testing. Allele origin: germline.
Comment: This sequence change creates a premature translational stop signal (p.Ser786Lysfs*138) in the MICAL1 gene. It is expected to result in an absent or disrupted protein product. However, the current clinical and genetic evidence is not sufficient to establish whether loss-of-function variants in MICAL1 cause disease. This variant is present in population databases (rs746420629, gnomAD 0.06%), and has an allele count higher than expected for a pathogenic variant. This variant has not been reported in the literature in individuals affected with MICAL1-related conditions. ClinVar contains an entry for this variant (Variation ID: 2154820). Algorithms developed to predict the effect of sequence changes on RNA splicing suggest that this variant may disrupt the consensus splice site. In summary, the available evidence is currently insufficient to determine the role of this variant in disease. Therefore, it has been classified as a Variant of Uncertain Significance.

NM_022765.4(MICAL1):c.2299_2300insAG (p.Ser767fs)

Gene: MICAL1 (microtubule associated monooxygenase, calponin and LIM domain containing 1; minus strand). Cytogenetic location: 6q21.
Variant type: Insertion.
Coding change: c.2299_2300insAG on transcript NM_022765.4 (MANE Select); coding-DNA positions 2299 to 2300, AG inserted.
Protein change: p.Ser767fs; shifts the reading frame from serine 767.
Molecular consequence: frameshift variant.
Genome position: GRCh38 VCF-style: chr6-109446700-C-CCT. GRCh37 (hg19) VCF-style: chr6-109767903-C-CCT.
Other names: c.2041_2042insAG, p.Ser681fs (NM_001159291.2); c.2356_2357insAG, p.Ser786fs (NM_001286613.2); short protein forms S681fs, S767fs, S786fs.
Identifiers: ClinVar variation 2154820 (VCV002154820.4), dbSNP rs746420629, ClinGen allele CA3952983.
Genomic context (GRCh38, chr6:109,446,700, plus strand): 5'-CGAGACCCTCTTCCTCTTCCCATGCCCCAATATACATACACGCCTTCAGTCTTTACCGGA[C>CCT]TCTCAGGGCCTCTATCGCTGCCTTCCGCTTTGTGGTCTGTCTGGGGCAGGTGCTGGAGGC-3'